The following is an entry in ClinVar:

NM_170784.3(MKKS):c.49C>T (p.Leu17=)

Gene: MKKS (MKKS centrosomal shuttling protein; minus strand). Cytogenetic location: 20p12.2.
Variant type: single nucleotide variant.
Coding change: c.49C>T on transcript NM_170784.3 (MANE Select); coding-DNA position 49, C replaced by T.
Protein change: p.Leu17=; no amino-acid change (leucine 17 retained).
Molecular consequence: synonymous variant.
Genome position (GRCh38, 1-based): chr20:10,413,466, G>A on the plus strand (C>T on the coding strand, the complement: MKKS is on the minus strand). VCF-style: chr20-10413466-G-A. GRCh37 (hg19) VCF-style: chr20-10394114-G-A.
Other names: c.49C>T, p.Leu17= (NM_018848.3).
Identifiers: ClinVar variation 3350608 (VCV003350608.1).

ClinVar aggregate classification (germline): Likely benign (0 of 4 stars; one submission).

Conditions:
MKKS-related disorder. Also called: MKKS-related condition; MKKS-related disorders.

gnomAD v4.1: 1 of 1,614,164 alleles (0.000062%); highest among the groups gnomAD compares: Middle Eastern, 0.017%; no homozygotes.

Submission:

PreventionGenetics, part of Exact Sciences
Classification: Likely benign for MKKS-related condition. Last evaluated: 2021-11-05. Review status: no assertion criteria provided. Collection method: clinical testing. Allele origin: germline.
Comment: This variant is classified as likely benign based on ACMG/AMP sequence variant interpretation guidelines (Richards et al. 2015 PMID: 25741868, with internal and published modifications).